The following is an entry in ClinVar:

ClinVar aggregate classification (germline): Benign. Review status: criteria provided, multiple submitters, no conflicts (2 of 4 stars). 2 submissions from 2 submitters: Benign (2). Last evaluated 2018-06-14.

Allele frequency attached by ClinVar (database versions not stated): gnomAD 0.05984 and 0.06438; 1000 Genomes Project 0.06350; TOPMed 0.06685; 1000 Genomes Project 30x 0.06918.
gnomAD v4.1: 15,629 of 1,325,848 alleles (1.2%); highest among the groups gnomAD compares: African/African-American, 21%; 1,437 homozygotes.

Submissions (2):

GeneDx
Classification: Benign. Last evaluated: 2018-06-14. Review status: criteria provided, single submitter. Criteria: GeneDx Variant Classification (06012015). Collection method: clinical testing. Allele origin: germline. Affected: yes.
Comment: This variant is considered likely benign or benign based on one or more of the following criteria: it is a conservative change, it occurs at a poorly conserved position in the protein, it is predicted to be benign by multiple in silico algorithms, and/or has population frequency not consistent with disease.

Breakthrough Genomics
Classification: Benign. Review status: criteria provided, single submitter. Criteria: ACMG Guidelines, 2015. Collection method: not provided. Allele origin: germline. Inheritance: Unknown mechanism. Affected: yes.

NM_018006.5(TRMU):c.82+244A>G

Gene: TRMU (tRNA mitochondrial 2-thiouridylase; plus strand). Cytogenetic location: 22q13.31.
Variant type: single nucleotide variant.
Coding change: c.82+244A>G on transcript NM_018006.5 (MANE Select); 244 bases into the intron after coding-DNA position 82, A replaced by G.
Molecular consequence: intron variant.
Genome position (GRCh38, 1-based): chr22:46,336,090, A>G. VCF-style: chr22-46336090-A-G. GRCh37 (hg19) VCF-style: chr22-46731987-A-G.
Other names: c.82+244A>G (NM_001282785.2); c.-154+244A>G (NM_001282782.2); c.-173+244A>G (NM_001282783.2, NM_001282784.2).
Identifiers: ClinVar variation 684274 (VCV000684274.2), dbSNP rs114880598, ClinGen allele CA325155694.